The following is an entry in ClinVar:

NM_005732.4(RAD50):c.2350A>G (p.Ser784Gly)

Gene: RAD50 (RAD50 double strand break repair protein; plus strand). Cytogenetic location: 5q31.1.
Variant type: single nucleotide variant.
Coding change: c.2350A>G on transcript NM_005732.4 (MANE Select); coding-DNA position 2350, A replaced by G.
Protein change: p.Ser784Gly; replaces serine 784 with glycine.
Molecular consequence: missense variant.
Genome position (GRCh38, 1-based): chr5:132,603,442, A>G. VCF-style: chr5-132603442-A-G. GRCh37 (hg19) VCF-style: chr5-131939134-A-G.
Other names: short protein forms S784G.
Identifiers: ClinVar variation 1464569 (VCV001464569.8), dbSNP rs1750924370, ClinGen allele CA360954856.

ClinVar aggregate classification (germline): Uncertain significance (1 of 4 stars; one submission).

Conditions:
Hereditary cancer-predisposing syndrome. Also called: Tumor predisposition; Hereditary neoplastic syndrome; Hereditary Cancer Syndrome; Neoplastic Syndromes, Hereditary. Identifiers: Orphanet 140162, MedGen C0027672, MeSH D009386, MONDO:0015356.

Submission:

Labcorp Genetics (formerly Invitae), Labcorp
Classification: Uncertain significance for Hereditary cancer-predisposing syndrome. Last evaluated: 2021-05-31. Review status: criteria provided, single submitter. Criteria: Invitae Variant Classification Sherloc (09022015). Collection method: clinical testing. Allele origin: germline.
Comment: This variant has not been reported in the literature in individuals with RAD50-related conditions. This variant is not present in population databases (ExAC no frequency). This sequence change replaces serine with glycine at codon 784 of the RAD50 protein (p.Ser784Gly). The serine residue is moderately conserved and there is a small physicochemical difference between serine and glycine. Algorithms developed to predict the effect of missense changes on protein structure and function (SIFT, PolyPhen-2, Align-GVGD) all suggest that this variant is likely to be tolerated, but these predictions have not been confirmed by published functional studies and their clinical significance is uncertain. In summary, the available evidence is currently insufficient to determine the role of this variant in disease. Therefore, it has been classified as a Variant of Uncertain Significance.